The following is an entry in ClinVar:

NM_001166108.2(PALLD):c.1778G>A (p.Gly593Asp)

Gene: PALLD (palladin, cytoskeletal associated protein; plus strand). Cytogenetic location: 4q32.3.
Variant type: single nucleotide variant.
Coding change: c.1778G>A on transcript NM_001166108.2 (MANE Select); coding-DNA position 1778, G replaced by A.
Protein change: p.Gly593Asp; replaces glycine 593 with aspartic acid.
Molecular consequence: missense variant.
Genome position (GRCh38, 1-based): chr4:168,711,737, G>A. VCF-style: chr4-168711737-G-A. GRCh37 (hg19) VCF-style: chr4-169632888-G-A.
Other names: c.632G>A, p.Gly211Asp (NM_001166109.2); c.1778G>A, p.Gly593Asp (NM_016081.4); short protein forms G211D, G593D.
Identifiers: ClinVar variation 3304072 (VCV003304072.1).

ClinVar aggregate classification (germline): Uncertain significance (1 of 4 stars; one submission).

gnomAD v4.1: 1 of 1,614,126 alleles (0.000062%); highest among the groups gnomAD compares: Non-Finnish European, 0.000085%; no homozygotes.

Submission:

Ambry Genetics
Classification: Uncertain significance. Last evaluated: 2024-04-26. Review status: criteria provided, single submitter. Criteria: Ambry Variant Classification Scheme 2023. Collection method: clinical testing. Allele origin: germline.
Comment: The p.G593D variant (also known as c.1778G>A), located in coding exon 9 of the PALLD gene, results from a G to A substitution at nucleotide position 1778. The glycine at codon 593 is replaced by aspartic acid, an amino acid with similar properties. This amino acid position is conserved. In addition, this alteration is predicted to be tolerated by in silico analysis. Based on the available evidence, the clinical significance of this variant remains unclear.